The following is an entry in ClinVar:

ClinVar aggregate classification (germline): Pathogenic. Review status: criteria provided, multiple submitters, no conflicts (2 of 4 stars). 3 submissions from 3 submitters: Pathogenic (2). 1 of the submissions does not count toward it. Last evaluated 2020-10-01.

Conditions:
Immunodeficiency, common variable, 10. Also called: DEFICIT IN ANTERIOR PITUITARY FUNCTION AND VARIABLE IMMUNODEFICIENCY; IMMUNODEFICIENCY, COMMON VARIABLE, WITH CENTRAL ADRENAL INSUFFICIENCY. Identifiers: MedGen C3809991, MONDO:0014260, OMIM 615577.

Submissions (3):

CeGaT Center for Human Genetics Tuebingen
Classification: Pathogenic. Last evaluated: 2020-10-01. Review status: criteria provided, single submitter. Criteria: CeGaT Center For Human Genetics Tuebingen Variant Classification Criteria Version 2. Collection method: clinical testing. Allele origin: germline. Affected: yes. Observed: 2 variant alleles.

Labcorp Genetics (formerly Invitae), Labcorp
Classification: Pathogenic for Immunodeficiency, common variable, 10. Last evaluated: 2020-05-27. Review status: criteria provided, single submitter. Criteria: Invitae Variant Classification Sherloc (09022015). Collection method: clinical testing. Allele origin: germline.
Comment: This sequence change results in a premature translational stop signal in the NFKB2 gene (p.Gln871*). While this is not anticipated to result in nonsense mediated decay, it is expected to disrupt the last 30 amino acids of the NFKB2 protein. This variant is not present in population databases (ExAC no frequency). This variant has been observed in individual(s) with deficient anterior pituitary with variable immune deficiency (DAVID) syndrome (PMID: 31417880, 30941118). In at least one individual the variant was observed to be de novo. Experimental studies and prediction algorithms are not available or were not evaluated, and the functional significance of this variant is currently unknown. For these reasons, this variant has been classified as Pathogenic.

OMIM
Classification: Pathogenic for IMMUNODEFICIENCY, COMMON VARIABLE, 10. Last evaluated: 2020-10-27. Review status: no assertion criteria provided. Collection method: literature only. Allele origin: germline. Not counted in ClinVar's aggregate classification.

Literature cited by the submitters: PubMed 31417880 (cited by Labcorp Genetics (formerly Invitae), Labcorp); PubMed 30941118 (cited by Labcorp Genetics (formerly Invitae), Labcorp).

NM_001322934.2(NFKB2):c.2611C>T (p.Gln871Ter)

Gene: NFKB2 (nuclear factor kappa B subunit 2; plus strand). Cytogenetic location: 10q24.32.
Variant type: single nucleotide variant.
Coding change: c.2611C>T on transcript NM_001322934.2 (MANE Select); coding-DNA position 2611, C replaced by T.
Protein change: p.Gln871Ter; replaces glutamine 871 with a stop codon.
Molecular consequence: nonsense.
Genome position (GRCh38, 1-based): chr10:102,402,284, C>T. VCF-style: chr10-102402284-C-T. GRCh37 (hg19) VCF-style: chr10-104162041-C-T.
Other names: c.2608C>T, p.Gln870Ter (NM_001261403.3, NM_001288724.1, NM_002502.6); c.2485C>T, p.Gln829Ter (NM_001322935.1); c.2611C>T, p.Gln871Ter (NM_001077494.3); short protein forms Q870*, Q871*, Q829*.
Identifiers: ClinVar variation 871139 (VCV000871139.50), dbSNP rs2061279365, ClinGen allele CA377906362.
Genomic context (GRCh38, chr10:102,402,284, plus strand): 5'-TCCCATTCCTGTCCCCATTTACCCCCAGCAGAGGTGAAGGAAGACAGTGCGTACGGGAGC[C>T]AGTCAGTGGAGCAGGAGGCAGAGAAGCTGGGCCCACCCCCTGAGCCACCAGGAGGGCTCT-3'